The following is an entry in ClinVar:

ClinVar aggregate classification (germline): Benign/Likely benign. Review status: criteria provided, multiple submitters, no conflicts (2 of 4 stars). 5 submissions from 5 submitters: Benign (1); Likely benign (4). Last evaluated 2026-02-04.

Conditions:
Nemaline myopathy 2 (NEM2). Also called: Nemaline myopathy 2, autosomal recessive. Identifiers: MedGen C1850569, MONDO:0009725, OMIM 256030.

Submissions (5):

Labcorp Genetics (formerly Invitae), Labcorp
Classification: Likely benign for Nemaline myopathy 2. Last evaluated: 2026-02-04. Review status: criteria provided, single submitter. Criteria: Invitae Variant Classification Sherloc (09022015). Collection method: clinical testing. Allele origin: germline.

Blueprint Genetics
Classification: Likely benign. Last evaluated: 2024-10-23. Review status: criteria provided, single submitter. Criteria: ACMG Guidelines, 2015. Collection method: clinical testing. Allele origin: germline.

GeneDx
Classification: Likely benign. Last evaluated: 2017-10-19. Review status: criteria provided, single submitter. Criteria: GeneDx Variant Classification (06012015). Collection method: clinical testing. Allele origin: germline. Affected: yes.
Comment: This variant is considered likely benign or benign based on one or more of the following criteria: it is a conservative change, it occurs at a poorly conserved position in the protein, it is predicted to be benign by multiple in silico algorithms, and/or has population frequency not consistent with disease.

Laboratory for Molecular Medicine, Mass General Brigham Personalized Medicine
Classification: Likely benign. Last evaluated: 2015-02-04. Review status: criteria provided, single submitter. Criteria: LMM Criteria. Collection method: clinical testing. Allele origin: germline. Observed: 13 variant alleles.
Comment: NEB exons 82-105 are organized in three repetitive blocks of 8 exons each and be cause these blocks are nearly identical in sequence, homologous exons (e.g., exo ns 87, 95, and 103) are co-amplified and sequenced (each amplicon consists of 6 alleles). This variant represents a nonhomologous position within the three repe titive blocks (c.13368+11A, c.14826+11G, c.16284+11A). The variable alleles at t his position are not expected to have clinical significance because these positi ons are not located within the splice consensus sequence.

PreventionGenetics, part of Exact Sciences
Classification: Benign. Review status: criteria provided, single submitter. Criteria: ACMG Guidelines, 2015. Collection method: clinical testing. Allele origin: germline.

NM_001164508.2(NEB):c.13368+11A>G

Gene: NEB (nebulin; minus strand). Cytogenetic location: 2q23.3.
Variant type: single nucleotide variant.
Coding change: c.13368+11A>G on transcript NM_001164508.2 (MANE Select); 11 bases into the intron after coding-DNA position 13368, A replaced by G.
Molecular consequence: intron variant.
Genome position (GRCh38, 1-based): chr2:151,602,576, T>C on the plus strand (A>G on the coding strand, the complement: NEB is on the minus strand). VCF-style: chr2-151602576-T-C. GRCh37 (hg19) VCF-style: chr2-152459090-T-C.
Other names: c.11601+7233A>G (NM_004543.5); c.13368+11A>G (NM_001164507.2, NM_001271208.2).
Identifiers: ClinVar variation 227728 (VCV000227728.17), dbSNP rs112260335, ClinGen allele CA10576441.